The following is an entry in ClinVar:

ClinVar aggregate classification (germline): Uncertain significance (1 of 4 stars; one submission).

Submission:

GeneDx
Classification: Uncertain significance. Last evaluated: 2024-10-23. Review status: criteria provided, single submitter. Criteria: GeneDx Variant Classification Process June 2021. Collection method: clinical testing. Allele origin: germline. Affected: yes.
Comment: Not observed at significant frequency in large population cohorts (gnomAD); In silico analysis supports that this missense variant has a deleterious effect on protein structure/function; Has not been previously published as pathogenic or benign to our knowledge

NM_032892.5(FRMD5):c.857G>A (p.Cys286Tyr)

Gene: FRMD5 (FERM domain containing 5; minus strand). Cytogenetic location: 15q15.3.
Variant type: single nucleotide variant.
Coding change: c.857G>A on transcript NM_032892.5 (MANE Select); coding-DNA position 857, G replaced by A.
Protein change: p.Cys286Tyr; replaces cysteine 286 with tyrosine.
Molecular consequence: missense variant. On other transcripts: non-coding transcript variant (1).
Genome position (GRCh38, 1-based): chr15:43,888,202, C>T on the plus strand (G>A on the coding strand, the complement: FRMD5 is on the minus strand). VCF-style: chr15-43888202-C-T. GRCh37 (hg19) VCF-style: chr15-44180400-C-T.
Other names: c.575G>A, p.Cys192Tyr (NM_001286490.2); c.155G>A, p.Cys52Tyr (NM_001286491.2); c.857G>A, p.Cys286Tyr (NM_001322949.2, NM_001322950.2, NM_001411124.1); c.752G>A, p.Cys251Tyr (NM_001322951.2); short protein forms C192Y, C251Y, C286Y, C52Y.
Identifiers: ClinVar variation 3893444 (VCV003893444.1).